The following is an entry in ClinVar:

ClinVar aggregate classification (germline): Uncertain significance. Review status: criteria provided, multiple submitters, no conflicts (2 of 4 stars). 2 submissions from 2 submitters: Uncertain significance (2). Last evaluated 2025-12-15.

Allele frequency attached by ClinVar (database versions not stated): gnomAD exomes 0.00001 and 0.00005; ExAC 0.00007; ESP Exome Variant Server 0.00015; gnomAD 0.00019 and 0.00020; 1000 Genomes Project 0.00020; TOPMed 0.00020; 1000 Genomes Project 30x 0.00031.
gnomAD v4.1: 52 of 1,599,718 alleles (0.0033%); highest among the groups gnomAD compares: African/African-American, 0.054%; no homozygotes.

Submissions (2):

Labcorp Genetics (formerly Invitae), Labcorp
Classification: Uncertain significance. Last evaluated: 2025-12-15. Review status: criteria provided, single submitter. Criteria: Invitae Variant Classification Sherloc (09022015). Collection method: clinical testing. Allele origin: germline.
Comment: This sequence change replaces valine, which is neutral and non-polar, with isoleucine, which is neutral and non-polar, at codon 627 of the ERBIN protein (p.Val627Ile). This variant is present in population databases (rs139924770, gnomAD 0.05%). This variant has not been reported in the literature in individuals affected with ERBIN-related conditions. ClinVar contains an entry for this variant (Variation ID: 1430508). An algorithm developed to predict the effect of missense changes on protein structure and function (PolyPhen-2) suggests that this variant is likely to be disruptive. In summary, the available evidence is currently insufficient to determine the role of this variant in disease. Therefore, it has been classified as a Variant of Uncertain Significance.

Ambry Genetics
Classification: Uncertain significance. Last evaluated: 2021-10-12. Review status: criteria provided, single submitter. Criteria: Ambry Variant Classification Scheme 2023. Collection method: clinical testing. Allele origin: germline.

NM_001253697.2(ERBIN):c.1879G>A (p.Val627Ile)

Gene: ERBIN (erbb2 interacting protein; plus strand). Cytogenetic location: 5q12.3.
Variant type: single nucleotide variant.
Coding change: c.1879G>A on transcript NM_001253697.2 (MANE Select); coding-DNA position 1879, G replaced by A.
Protein change: p.Val627Ile; replaces valine 627 with isoleucine.
Molecular consequence: missense variant.
Genome position (GRCh38, 1-based): chr5:66,048,757, G>A. VCF-style: chr5-66048757-G-A. GRCh37 (hg19) VCF-style: chr5-65344585-G-A.
Other names: c.1879G>A, p.Val627Ile (NM_001006600.3, NM_001253698.2, NM_001253699.2 and 1 more transcripts); c.1867G>A, p.Val623Ile (NM_001253701.2); c.1879G>A (NM_018695.2); short protein forms V623I, V627I.
Identifiers: ClinVar variation 1430508 (VCV001430508.9), dbSNP rs139924770, ClinGen allele CA3286367.
Genomic context (GRCh38, chr5:66,048,757, plus strand): 5'-ATGAAAATGGCGGAGATGCGACCACCATTAATTGAAACCTCTATTAACCAGCCAAAAGTC[G>A]TAGCACTTAGTAATAACAAAAAAGGTTAGATGTTAAAGGAAAGTGCTAAGAATAGAAATT-3'
Protein context (NP_001240626.1, residues 617-637): IETSINQPKV[Val627Ile]ALSNNKKDDT